The following is an entry in ClinVar:

NM_182914.3(SYNE2):c.14308G>A (p.Val4770Met)

Gene: SYNE2 (spectrin repeat containing nuclear envelope protein 2; plus strand). Cytogenetic location: 14q23.2.
Variant type: single nucleotide variant.
Coding change: c.14308G>A on transcript NM_182914.3 (MANE Select); coding-DNA position 14308, G replaced by A.
Protein change: p.Val4770Met; replaces valine 4770 with methionine.
Molecular consequence: missense variant.
Genome position (GRCh38, 1-based): chr14:64,130,216, G>A. VCF-style: chr14-64130216-G-A. GRCh37 (hg19) VCF-style: chr14-64596934-G-A.
Other names: c.14308G>A, p.Val4770Met (NM_015180.6); short protein forms V4770M.
Identifiers: ClinVar variation 4732194 (VCV004732194.1).

ClinVar aggregate classification (germline): Uncertain significance (1 of 4 stars; one submission).

Conditions:
Emery-Dreifuss muscular dystrophy 5, autosomal dominant (EDMD5). Also called: EMERY-DREIFUSS MUSCULAR DYSTROPHY 5. Identifiers: Orphanet 261, MedGen C2751805, MONDO:0013072, OMIM 612999.

Submission:

Labcorp Genetics (formerly Invitae), Labcorp
Classification: Uncertain significance for Emery-Dreifuss muscular dystrophy 5, autosomal dominant. Last evaluated: 2025-12-03. Review status: criteria provided, single submitter. Criteria: Invitae Variant Classification Sherloc (09022015). Collection method: clinical testing. Allele origin: germline.
Comment: This sequence change replaces valine, which is neutral and non-polar, with methionine, which is neutral and non-polar, at codon 4770 of the SYNE2 protein (p.Val4770Met). This variant is not present in population databases (gnomAD no frequency). This variant has not been reported in the literature in individuals affected with SYNE2-related conditions. An algorithm developed to predict the effect of missense changes on protein structure and function (PolyPhen-2) suggests that this variant is likely to be tolerated. In summary, the available evidence is currently insufficient to determine the role of this variant in disease. Therefore, it has been classified as a Variant of Uncertain Significance.